The following is an entry in ClinVar:

ClinVar aggregate classification (germline): Uncertain significance (1 of 4 stars; one submission).

Allele frequency attached by ClinVar (database versions not stated): TOPMed 0.00002; gnomAD exomes 0.00004.

Submission:

Labcorp Genetics (formerly Invitae), Labcorp
Classification: Uncertain significance. Last evaluated: 2023-11-27. Review status: criteria provided, single submitter. Criteria: Invitae Variant Classification Sherloc (09022015). Collection method: clinical testing. Allele origin: germline.
Comment: This sequence change replaces valine, which is neutral and non-polar, with leucine, which is neutral and non-polar, at codon 496 of the ERMARD protein (p.Val496Leu). The frequency data for this variant in the population databases is considered unreliable, as metrics indicate poor data quality at this position in the gnomAD database. This variant has not been reported in the literature in individuals affected with ERMARD-related conditions. Advanced modeling of protein sequence and biophysical properties (such as structural, functional, and spatial information, amino acid conservation, physicochemical variation, residue mobility, and thermodynamic stability) performed at Invitae indicates that this missense variant is not expected to disrupt ERMARD protein function with a negative predictive value of 80%. In summary, the available evidence is currently insufficient to determine the role of this variant in disease. Therefore, it has been classified as a Variant of Uncertain Significance.

NM_018341.3(ERMARD):c.1486G>T (p.Val496Leu)

Gene: ERMARD (ER membrane associated RNA degradation; plus strand). Cytogenetic location: 6q27.
Variant type: single nucleotide variant.
Coding change: c.1486G>T on transcript NM_018341.3 (MANE Select); coding-DNA position 1486, G replaced by T.
Protein change: p.Val496Leu; replaces valine 496 with leucine.
Molecular consequence: missense variant.
Genome position (GRCh38, 1-based): chr6:169,776,031, G>T. VCF-style: chr6-169776031-G-T. GRCh37 (hg19) VCF-style: chr6-170176127-G-T.
Other names: c.1486G>T, p.Val496Leu (NM_001278531.2, NM_001278533.2); c.1108G>T, p.Val370Leu (NM_001278532.2); c.1078G>T, p.Val360Leu (NM_001410957.1); short protein forms V370L, V360L, V496L.
Identifiers: ClinVar variation 3021680 (VCV003021680.3), dbSNP rs1007180518, ClinGen allele CA152151380.